The following is an entry in ClinVar:

NM_006231.4(POLE):c.1454T>C (p.Ile485Thr)

Gene: POLE (DNA polymerase epsilon, catalytic subunit; minus strand). Cytogenetic location: 12q24.33.
Variant type: single nucleotide variant.
Coding change: c.1454T>C on transcript NM_006231.4 (MANE Select); coding-DNA position 1454, T replaced by C.
Protein change: p.Ile485Thr; replaces isoleucine 485 with threonine.
Molecular consequence: missense variant.
Genome position (GRCh38, 1-based): chr12:132,673,183, A>G on the plus strand (T>C on the coding strand, the complement: POLE is on the minus strand). VCF-style: chr12-132673183-A-G. GRCh37 (hg19) VCF-style: chr12-133249769-A-G.
Other names: short protein forms I485T.
Identifiers: ClinVar variation 1773019 (VCV001773019.2), dbSNP rs758486433, ClinGen allele CA6893959.

ClinVar aggregate classification (germline): Uncertain significance (1 of 4 stars; one submission).

Conditions:
Hereditary cancer-predisposing syndrome. Also called: Hereditary Cancer Syndrome; Hereditary neoplastic syndrome; Neoplastic Syndromes, Hereditary; Tumor predisposition. Identifiers: Orphanet 140162, MedGen C0027672, MeSH D009386, MONDO:0015356.

Allele frequency attached by ClinVar (database versions not stated): ExAC 0.00001.
gnomAD v4.1: 1 of 1,607,310 alleles (0.000062%); highest among the groups gnomAD compares: Non-Finnish European, 0.000085%; no homozygotes.

Submission:

Ambry Genetics
Classification: Uncertain significance for Hereditary cancer-predisposing syndrome. Last evaluated: 2021-06-21. Review status: criteria provided, single submitter. Criteria: Ambry Variant Classification Scheme 2023. Collection method: clinical testing. Allele origin: germline.
Comment: The p.I485T variant (also known as c.1454T>C), located in coding exon 14 of the POLE gene, results from a T to C substitution at nucleotide position 1454. The isoleucine at codon 485 is replaced by threonine, an amino acid with similar properties. This amino acid position is highly conserved in available vertebrate species. In addition, this alteration is predicted to be deleterious by in silico analysis. Since supporting evidence is limited at this time, the clinical significance of this alteration remains unclear.